The following is an entry in ClinVar:

ClinVar aggregate classification (germline): Uncertain significance (1 of 4 stars; one submission).

Submission:

Labcorp Genetics (formerly Invitae), Labcorp
Classification: Uncertain significance. Last evaluated: 2022-08-11. Review status: criteria provided, single submitter. Criteria: Invitae Variant Classification Sherloc (09022015). Collection method: clinical testing. Allele origin: germline.
Comment: This sequence change replaces proline, which is neutral and non-polar, with leucine, which is neutral and non-polar, at codon 85 of the HMCN1 protein (p.Pro85Leu). This variant is not present in population databases (gnomAD no frequency). This variant has not been reported in the literature in individuals affected with HMCN1-related conditions. Algorithms developed to predict the effect of missense changes on protein structure and function are either unavailable or do not agree on the potential impact of this missense change (SIFT: "Deleterious"; PolyPhen-2: "Benign"; Align-GVGD: "Class C0"). In summary, the available evidence is currently insufficient to determine the role of this variant in disease. Therefore, it has been classified as a Variant of Uncertain Significance.

NM_031935.3(HMCN1):c.254C>T (p.Pro85Leu)

Gene: HMCN1 (hemicentin 1; plus strand). Cytogenetic location: 1q25.3.
Variant type: single nucleotide variant.
Coding change: c.254C>T on transcript NM_031935.3 (MANE Select); coding-DNA position 254, C replaced by T.
Protein change: p.Pro85Leu; replaces proline 85 with leucine.
Molecular consequence: missense variant.
Genome position (GRCh38, 1-based): chr1:185,735,033, C>T. VCF-style: chr1-185735033-C-T. GRCh37 (hg19) VCF-style: chr1-185704165-C-T.
Other names: short protein forms P85L.
Identifiers: ClinVar variation 1715090 (VCV001715090.5), dbSNP rs776032407, ClinGen allele CA344058414.